The following is an entry in ClinVar:

ClinVar aggregate classification (germline): Uncertain significance (1 of 4 stars; one submission).

Conditions:
Ataxia-telangiectasia syndrome (AT). Also called: LOUIS-BAR SYNDROME; Cerebello-oculocutaneous telangiectasia; Immunodeficiency with ataxia telangiectasia; Ataxia telangiectasia (A-T); ATAXIA-TELANGIECTASIA, FRESNO VARIANT; Ataxia-telangiectasia. Identifiers: Orphanet 100, MedGen C0004135, MONDO:0008840, OMIM 208900.

Submission:

Labcorp Genetics (formerly Invitae), Labcorp
Classification: Uncertain significance for Ataxia-telangiectasia syndrome. Last evaluated: 2025-10-06. Review status: criteria provided, single submitter. Criteria: Invitae Variant Classification Sherloc (09022015). Collection method: clinical testing. Allele origin: germline.
Comment: This sequence change replaces alanine, which is neutral and non-polar, with valine, which is neutral and non-polar, at codon 1309 of the ATM protein (p.Ala1309Val). This variant is not present in population databases (gnomAD no frequency). This variant has not been reported in the literature in individuals affected with ATM-related conditions. Invitae Evidence Modeling of protein sequence and biophysical properties (such as structural, functional, and spatial information, amino acid conservation, physicochemical variation, residue mobility, and thermodynamic stability) indicates that this missense variant is not expected to disrupt ATM protein function with a negative predictive value of 95%. In summary, the available evidence is currently insufficient to determine the role of this variant in disease. Therefore, it has been classified as a Variant of Uncertain Significance.

NM_000051.4(ATM):c.3926C>T (p.Ala1309Val)

Gene: ATM (ATM serine/threonine kinase; plus strand). Cytogenetic location: 11q22.3.
Variant type: single nucleotide variant.
Coding change: c.3926C>T on transcript NM_000051.4 (MANE Select); coding-DNA position 3926, C replaced by T.
Protein change: p.Ala1309Val; replaces alanine 1309 with valine.
Molecular consequence: missense variant.
Genome position (GRCh38, 1-based): chr11:108,284,406, C>T. VCF-style: chr11-108284406-C-T. GRCh37 (hg19) VCF-style: chr11-108155133-C-T.
Other names: c.3926C>T, p.Ala1309Val (NM_001351834.2); short protein forms A1309V.
Identifiers: ClinVar variation 4803825 (VCV004803825.1).